The following is an entry in ClinVar:

NM_020778.5(ALPK3):c.3381del (p.Ser1129fs)

Gene: ALPK3 (alpha kinase 3; plus strand). Cytogenetic location: 15q25.3.
Variant type: Deletion.
Coding change: c.3381del on transcript NM_020778.5 (MANE Select); coding-DNA position 3381, one base deleted (G; older notation c.3381delG).
Protein change: p.Ser1129fs; shifts the reading frame from serine 1129.
Molecular consequence: frameshift variant.
Genome position (GRCh38, 1-based): chr15:84,858,119, G deleted; the last of 4 consecutive G bases (chr15:84,858,116-84,858,119); deleting any one gives the same sequence. VCF-style (leftmost placement, unchanged base first): chr15-84858115-AG-A. GRCh37 (hg19) VCF-style: chr15-85401346-AG-A.
Other names: short protein forms S1129fs.
Identifiers: ClinVar variation 1699145 (VCV001699145.4), dbSNP rs2141569005, ClinGen allele CA2573130285.
Genomic context (GRCh38, chr15:84,858,115, plus strand): 5'-CTCAGGAGAGCAGCATGGCTGGTCGACTGGGGGAGGCGGGTGGGCAGGCAGCCCCTGGAC[AG>A]GGGCCCTCAGCAGAGAGCATAGCCCAGGAGCCCTCCCAAGAGGAGAAGTTCCCAGGGGAG-3'

ClinVar aggregate classification (germline): Pathogenic (1 of 4 stars; one submission).

Conditions:
Cardiomyopathy, familial hypertrophic 27. Identifiers: MedGen C4748014, MONDO:0054838, OMIM 618052.

Submission:

Victorian Clinical Genetics Services, Murdoch Childrens Research Institute
Classification: Pathogenic for Cardiomyopathy, familial hypertrophic 27. Last evaluated: 2024-10-09. Review status: criteria provided, single submitter. Criteria: ACMG Guidelines, 2015. Collection method: clinical testing. Allele origin: germline. Inheritance: Autosomal dominant inheritance. Affected: yes.
Comment: Based on the classification scheme VCGS_Germline_v1.3.4, this variant is classified as Pathogenic. Following criteria are met: 0102 - Loss of function is a known mechanism of disease in this gene and is associated with familial hypertrophic cardiomyopathy 27 (MIM#618052). (I) 0108 - This gene is associated with both recessive and dominant disease (PMID: 32480058, 34263907, 38356193). (I) 0112 - The condition associated with this gene has incomplete penetrance. Age-dependent penetrance has been observed in the autosomal dominant condition (PMID: 32480058, 34263907). (I) 0201 - Variant is predicted to cause nonsense-mediated decay (NMD) and loss of protein (premature termination codon is located at least 54 nucleotides upstream of the final exon-exon junction). (SP) 0251 - This variant is heterozygous. (I) 0301 - Variant is absent from gnomAD (both v2 and v3). (SP) 0701 - Other premature termination variants comparable to the one identified in this case have very strong previous evidence for pathogenicity. Many NMD-predicted variants in this gene have been reported as likely pathogenic/pathogenic (ClinVar). Monoallelic NMD-predicted ALPK3 variants have also been reported in adults with hypertrophic cardiomyopathy with age-dependent penetrance (PMID: 32480058, 34263907, 38356193). (SP) 0807 - This variant has no previous evidence of pathogenicity. (I) 0905 - No published segregation evidence has been identified for this variant. (I) 1007 - No published functional evidence has been identified for this variant. (I) 1208 - Inheritance information for this variant is not currently available in this individual. (I) Legend: (SP) - Supporting pathogenic, (I) - Information, (SB) - Supporting benign

Literature cited by the submitters: PubMed 32480058; PubMed 34263907; PubMed 38356193.